The following is an entry in ClinVar:

NM_007194.4(CHEK2):c.785_792+15del

Gene: CHEK2 (checkpoint kinase 2; minus strand). Cytogenetic location: 22q12.1.
Variant type: Deletion.
Coding change: c.785_792+15del on transcript NM_007194.4 (MANE Select); coding-DNA position 785 through 15 bases into the intron after coding-DNA position 792, 23 bases deleted (GAGAGGCAGTAAGTACCAATAAA).
Molecular consequence: splice donor variant.
Genome position (GRCh38, 1-based): chr22:28,711,894-28,711,916, TTTATTGGTACTTACTGCCTCTC deleted on the plus strand (GAGAGGCAGTAAGTACCAATAAA on the coding strand, the reverse complement: CHEK2 is on the minus strand); deleting any 23 consecutive bases within chr22:28,711,894-28,711,918 gives the same sequence; the c. name uses the placement nearest the transcript's 3' end. VCF-style (leftmost placement, unchanged base first): chr22-28711893-TTTTATTGGTACTTACTGCCTCTC-T. GRCh37 (hg19) VCF-style: chr22-29107881-TTTTATTGGTACTTACTGCCTCTC-T.
Other names: c.122_129+15del (NM_001437942.1, NM_001257387.3); c.584_591+15del (NM_001349956.3); c.785_792+15del (NM_145862.3); c.878_885+15del (NM_001438295.1, NM_001438293.1); c.914_921+15del (NM_001438294.1, NM_001005735.3).
Identifiers: ClinVar variation 4634930 (VCV004634930.1).

ClinVar aggregate classification (germline): Likely pathogenic (1 of 4 stars; one submission).

Conditions:
Hereditary cancer-predisposing syndrome. Also called: Neoplastic Syndromes, Hereditary; Tumor predisposition; Hereditary Cancer Syndrome; Hereditary neoplastic syndrome. Identifiers: Orphanet 140162, MedGen C0027672, MeSH D009386, MONDO:0015356.

Submission:

Ambry Genetics
Classification: Likely pathogenic for Hereditary cancer-predisposing syndrome. Last evaluated: 2025-11-13. Review status: criteria provided, single submitter. Criteria: Ambry Variant Classification Scheme 2023. Collection method: clinical testing. Allele origin: germline.
Comment: The c.785_792+15del23 variant results from a deletion of 23 nucleotides between positions c.785 and c.792+15 and involves the canonical splice donor site after coding exon 5 of the CHEK2 gene. This variant is considered to be rare based on population cohorts in the Genome Aggregation Database (gnomAD). The canonical splice donor site is well conserved in available vertebrate species. In silico splice site analysis predicts that this alteration will weaken the native splice donor site and will result in the creation or strengthening of a novel splice donor site. RNA studies have demonstrated that this alteration results in abnormal splicing in the set of samples tested (Ambry internal data). Alterations that disrupt the canonical splice site are expected to cause aberrant splicing, resulting in an abnormal protein or a transcript that is subject to nonsense-mediated mRNA decay. As such, this alteration is classified as likely pathogenic.